The following is an entry in ClinVar:

ClinVar aggregate classification (germline): Uncertain significance (1 of 4 stars; one submission).

Conditions:
Progressive familial heart block type IB (PFHB1B). Identifiers: Orphanet 871, MedGen C1970298, MONDO:0011474, OMIM 604559.

Submission:

Labcorp Genetics (formerly Invitae), Labcorp
Classification: Uncertain significance for Progressive familial heart block type IB. Last evaluated: 2024-06-26. Review status: criteria provided, single submitter. Criteria: Invitae Variant Classification Sherloc (09022015). Collection method: clinical testing. Allele origin: germline.
Comment: This sequence change replaces aspartic acid, which is acidic and polar, with glutamic acid, which is acidic and polar, at codon 982 of the TRPM4 protein (p.Asp982Glu). This variant is not present in population databases (gnomAD no frequency). This variant has not been reported in the literature in individuals affected with TRPM4-related conditions. Algorithms developed to predict the effect of missense changes on protein structure and function output the following: SIFT: "Not Available"; PolyPhen-2: "Benign"; Align-GVGD: "Not Available". The glutamic acid amino acid residue is found in multiple mammalian species, which suggests that this missense change does not adversely affect protein function. In summary, the available evidence is currently insufficient to determine the role of this variant in disease. Therefore, it has been classified as a Variant of Uncertain Significance.

NM_017636.4(TRPM4):c.2946C>A (p.Asp982Glu)

Gene: TRPM4 (transient receptor potential cation channel subfamily M member 4; plus strand). Cytogenetic location: 19q13.33.
Variant type: single nucleotide variant.
Coding change: c.2946C>A on transcript NM_017636.4 (MANE Select); coding-DNA position 2946, C replaced by A.
Protein change: p.Asp982Glu; replaces aspartic acid 982 with glutamic acid.
Molecular consequence: missense variant.
Genome position (GRCh38, 1-based): chr19:49,200,778, C>A. VCF-style: chr19-49200778-C-A. GRCh37 (hg19) VCF-style: chr19-49704035-C-A.
Other names: c.2511C>A, p.Asp837Glu (NM_001195227.2); c.2601C>A, p.Asp867Glu (NM_001321281.2); c.1338C>A, p.Asp446Glu (NM_001321282.2); c.2424C>A, p.Asp808Glu (NM_001321283.2); c.1884C>A, p.Asp628Glu (NM_001321285.2); short protein forms D982E, D446E, D628E, D808E, D837E, D867E.
Identifiers: ClinVar variation 3643932 (VCV003643932.2).
Genomic context (GRCh38, chr19:49,200,778, plus strand): 5'-CCTGCGCCGCGTCTTCTACCGTCCCTACCTGCAGATCTTCGGGCAGATTCCCCAGGAGGA[C>A]ATGGACGGTAGGGGGGATGACGGCCTGACAGCCTTCCTCTGAGTCTCTGTCCCCGCTCCC-3'
Protein context (NP_060106.2, residues 972-992): LQIFGQIPQE[Asp982Glu]MDVALMEHSN